The following is an entry in ClinVar:

ClinVar aggregate classification (germline): Uncertain significance. Review status: criteria provided, multiple submitters, no conflicts (2 of 4 stars). 7 submissions from 7 submitters: Uncertain significance (3). 4 of the submissions do not count toward it. Last evaluated 2022-11-17.

Conditions:
Hypertrophic cardiomyopathy. Also called: HYPERTROPHIC MYOCARDIOPATHY. Identifiers: Orphanet 217569, MedGen C0007194, MeSH D002312, MONDO:0005045, HP:0001639.
Cardiomyopathy (CMYO). Also called: Cardiomyopathies. Identifiers: Orphanet 167848, MedGen C0878544, MONDO:0004994, HP:0001638. Inheritance: Various modes of inheritance.

Allele frequency attached by ClinVar (database versions not stated): gnomAD exomes below 0.00001; gnomAD 0.00001.
gnomAD v4.1: 4 of 1,614,026 alleles (0.00025%); highest among the groups gnomAD compares: Non-Finnish European, 0.00034%; no homozygotes.

Submissions (7):

Labcorp Genetics (formerly Invitae), Labcorp
Classification: Uncertain significance for Hypertrophic cardiomyopathy. Last evaluated: 2022-11-17. Review status: criteria provided, single submitter. Criteria: Invitae Variant Classification Sherloc (09022015). Collection method: clinical testing. Allele origin: germline.
Comment: In summary, the available evidence is currently insufficient to determine the role of this variant in disease. Therefore, it has been classified as a Variant of Uncertain Significance. Advanced modeling of protein sequence and biophysical properties (such as structural, functional, and spatial information, amino acid conservation, physicochemical variation, residue mobility, and thermodynamic stability) performed at Invitae indicates that this missense variant is not expected to disrupt MYH7 protein function. ClinVar contains an entry for this variant (Variation ID: 1172395). This missense change has been observed in individual(s) with hypertrophic cardiomyopathy (PMID: 30847666). This variant is not present in population databases (gnomAD no frequency). This sequence change replaces glutamine, which is neutral and polar, with histidine, which is basic and polar, at codon 1276 of the MYH7 protein (p.Gln1276His).

Color Diagnostics, LLC DBA Color Health
Classification: Uncertain significance for Cardiomyopathy. Last evaluated: 2021-12-28. Review status: criteria provided, single submitter. Criteria: ACMG Guidelines, 2015. Collection method: clinical testing. Allele origin: germline.
Comment: This missense variant replaces glutamine with histidine at codon 1276 of the MYH7 protein. Computational prediction is inconclusive regarding the impact of this variant on protein structure and function (internally defined REVEL score threshold 0.5 < inconclusive < 0.7, PMID: 27666373). To our knowledge, functional studies have not been reported for this variant. This variant has not been reported in individuals affected with cardiovascular disorders in the literature. This variant has not been identified in the general population by the Genome Aggregation Database (gnomAD). The available evidence is insufficient to determine the role of this variant in disease conclusively. Therefore, this variant is classified as a Variant of Uncertain Significance.

GeneDx
Classification: Uncertain significance. Last evaluated: 2020-10-15. Review status: criteria provided, single submitter. Criteria: GeneDx Variant Classification Process June 2021. Collection method: clinical testing. Allele origin: germline. Affected: yes.
Comment: Has not been previously published as pathogenic or benign to our knowledge; Not observed in large population cohorts (Lek et al., 2016); In silico analysis supports that this missense variant has a deleterious effect on protein structure/function; This variant is associated with the following publications: (PMID: 30847666)

Clinical Genetics DNA and cytogenetics Diagnostics Lab, Erasmus MC, Erasmus Medical Center
Classification: Uncertain significance. Review status: no assertion criteria provided. Collection method: clinical testing. Allele origin: germline. Affected: yes. Study: VKGL Data-share Consensus. Not counted in ClinVar's aggregate classification.

Clinical Genetics, Academic Medical Center
Classification: Uncertain significance. Review status: no assertion criteria provided. Collection method: clinical testing. Allele origin: germline. Affected: yes. Study: VKGL Data-share Consensus. Not counted in ClinVar's aggregate classification.

Genome Diagnostics Laboratory, University Medical Center Utrecht
Classification: Uncertain significance. Review status: no assertion criteria provided. Collection method: clinical testing. Allele origin: germline. Affected: yes. Study: VKGL Data-share Consensus. Not counted in ClinVar's aggregate classification.

Joint Genome Diagnostic Labs from Nijmegen and Maastricht, Radboudumc and MUMC+
Classification: Uncertain significance. Review status: no assertion criteria provided. Collection method: clinical testing. Allele origin: germline. Affected: yes. Study: VKGL Data-share Consensus. Not counted in ClinVar's aggregate classification.

Literature cited by the submitters: PubMed 30847666 (cited by Labcorp Genetics (formerly Invitae), Labcorp).

NM_000257.4(MYH7):c.3828G>C (p.Gln1276His)

Gene: MYH7 (myosin heavy chain 7; minus strand). Cytogenetic location: 14q11.2.
Variant type: single nucleotide variant.
Coding change: c.3828G>C on transcript NM_000257.4 (MANE Select); coding-DNA position 3828, G replaced by C.
Protein change: p.Gln1276His; replaces glutamine 1276 with histidine.
Molecular consequence: missense variant.
Genome position (GRCh38, 1-based): chr14:23,419,508, C>G on the plus strand (G>C on the coding strand, the complement: MYH7 is on the minus strand). VCF-style: chr14-23419508-C-G. GRCh37 (hg19) VCF-style: chr14-23888717-C-G.
Other names: short protein forms Q1276H.
Identifiers: ClinVar variation 1172395 (VCV001172395.14), dbSNP rs1892377170, ClinGen allele CA389041953.